The following is an entry in ClinVar:

NM_000179.3(MSH6):c.1555A>C (p.Lys519Gln)

Gene: MSH6 (mutS homolog 6; plus strand). Cytogenetic location: 2p16.3.
Variant type: single nucleotide variant.
Coding change: c.1555A>C on transcript NM_000179.3 (MANE Select); coding-DNA position 1555, A replaced by C.
Protein change: p.Lys519Gln; replaces lysine 519 with glutamine.
Molecular consequence: missense variant. On other transcripts: non-coding transcript variant (4), intron variant (1).
Genome position (GRCh38, 1-based): chr2:47,799,538, A>C. VCF-style: chr2-47799538-A-C. GRCh37 (hg19) VCF-style: chr2-48026677-A-C.
Other names: c.649A>C, p.Lys217Gln (NM_001406829.1, NM_001406823.1, NM_001281493.2 and 6 more transcripts); c.1387A>C, p.Lys463Gln (NM_001406826.1); c.1258A>C, p.Lys420Gln (NM_001406827.1, NM_001406828.1, NM_001406805.1 and 10 more transcripts); c.1651A>C, p.Lys551Gln (NM_001406802.1, NM_001406795.1); c.1555A>C, p.Lys519Gln (NM_001406803.1, NM_001406796.1, NM_001406798.1 and 4 more transcripts); c.1477A>C, p.Lys493Gln (NM_001406804.1); c.1030A>C, p.Lys344Gln (NM_001406806.1, NM_001406799.1, NM_001406807.1); c.628-1128A>C (NM_001407362.1); and 2 more; short protein forms K217Q, K463Q, K420Q, K519Q, K389Q, K521Q, K344Q, K551Q.
Identifiers: ClinVar variation 3633936 (VCV003633936.2).
Genomic context (GRCh38, chr2:47,799,538, plus strand): 5'-ATGGCACATATATCCAAGTATGATAGAGTGGTGAGGAGGGAGATCTGTAGGATCATTACC[A>C]AGGGTACACAGACTTACAGTGTGCTGGAAGGTGATCCCTCTGAGAACTACAGTAAGTATC-3'
Protein context (NP_000170.1, residues 509-529): VRREICRIIT[Lys519Gln]GTQTYSVLEG

ClinVar aggregate classification (germline): Uncertain significance (1 of 4 stars; one submission).

Conditions:
Hereditary nonpolyposis colorectal neoplasms. Identifiers: MedGen C0009405, MeSH D003123.

gnomAD v4.1: 5 of 1,614,216 alleles (0.00031%); highest among the groups gnomAD compares: East Asian, 0.011%; no homozygotes.

Submission:

Labcorp Genetics (formerly Invitae), Labcorp
Classification: Uncertain significance for Hereditary nonpolyposis colorectal neoplasms. Last evaluated: 2024-03-02. Review status: criteria provided, single submitter. Criteria: Invitae Variant Classification Sherloc (09022015). Collection method: clinical testing. Allele origin: germline.
Comment: This sequence change replaces lysine, which is basic and polar, with glutamine, which is neutral and polar, at codon 519 of the MSH6 protein (p.Lys519Gln). This variant is not present in population databases (gnomAD no frequency). This missense change has been observed in individual(s) with MSH6-related conditions (PMID: 36243179). Advanced modeling of protein sequence and biophysical properties (such as structural, functional, and spatial information, amino acid conservation, physicochemical variation, residue mobility, and thermodynamic stability) performed at Invitae indicates that this missense variant is not expected to disrupt MSH6 protein function with a negative predictive value of 95%. In summary, the available evidence is currently insufficient to determine the role of this variant in disease. Therefore, it has been classified as a Variant of Uncertain Significance.

Literature cited by the submitters: PubMed 36243179.